The following is an entry in ClinVar:

NM_000057.4(BLM):c.1303C>A (p.Leu435Ile)

Gene: BLM (BLM RecQ like helicase; plus strand). Cytogenetic location: 15q26.1.
Variant type: single nucleotide variant.
Coding change: c.1303C>A on transcript NM_000057.4 (MANE Select); coding-DNA position 1303, C replaced by A.
Protein change: p.Leu435Ile; replaces leucine 435 with isoleucine.
Molecular consequence: missense variant.
Genome position (GRCh38, 1-based): chr15:90,760,676, C>A. VCF-style: chr15-90760676-C-A. GRCh37 (hg19) VCF-style: chr15-91303906-C-A.
Other names: c.1303C>A, p.Leu435Ile (NM_001287246.2, NM_001287247.2); c.178C>A, p.Leu60Ile (NM_001287248.2); short protein forms L60I, L435I.
Identifiers: ClinVar variation 3991643 (VCV003991643.1).

ClinVar aggregate classification (germline): Uncertain significance (1 of 4 stars; one submission).

Conditions:
Hereditary cancer-predisposing syndrome. Also called: Tumor predisposition; Hereditary neoplastic syndrome; Neoplastic Syndromes, Hereditary; Hereditary Cancer Syndrome. Identifiers: Orphanet 140162, MedGen C0027672, MeSH D009386, MONDO:0015356.

Submission:

Ambry Genetics
Classification: Uncertain significance for Hereditary cancer-predisposing syndrome. Last evaluated: 2025-04-12. Review status: criteria provided, single submitter. Criteria: Ambry Variant Classification Scheme 2023. Collection method: clinical testing. Allele origin: germline.
Comment: The p.L435I variant (also known as c.1303C>A), located in coding exon 6 of the BLM gene, results from a C to A substitution at nucleotide position 1303. The leucine at codon 435 is replaced by isoleucine, an amino acid with highly similar properties. This amino acid position is conserved. In addition, this alteration is predicted to be tolerated by in silico analysis. Based on the available evidence, the clinical significance of this variant remains unclear.